The following is an entry in ClinVar:

NM_003128.3(SPTBN1):c.5402T>G (p.Leu1801Arg)

Gene: SPTBN1 (spectrin beta, non-erythrocytic 1; plus strand). Cytogenetic location: 2p16.2.
Variant type: single nucleotide variant.
Coding change: c.5402T>G on transcript NM_003128.3 (MANE Select); coding-DNA position 5402, T replaced by G.
Protein change: p.Leu1801Arg; replaces leucine 1801 with arginine.
Molecular consequence: missense variant.
Genome position (GRCh38, 1-based): chr2:54,649,814, T>G. VCF-style: chr2-54649814-T-G. GRCh37 (hg19) VCF-style: chr2-54876951-T-G.
Other names: c.5363T>G, p.Leu1788Arg (NM_178313.3); short protein forms L1788R, L1801R.
Identifiers: ClinVar variation 3764251 (VCV003764251.1).

ClinVar aggregate classification (germline): Uncertain significance (1 of 4 stars; one submission).

Submission:

GeneDx
Classification: Uncertain significance. Last evaluated: 2024-08-20. Review status: criteria provided, single submitter. Criteria: GeneDx Variant Classification Process June 2021. Collection method: clinical testing. Allele origin: germline. Affected: yes.
Comment: Not observed at significant frequency in large population cohorts (gnomAD); In silico analysis supports that this missense variant has a deleterious effect on protein structure/function; Has not been previously published as pathogenic or benign to our knowledge